The following is an entry in ClinVar:

NM_020822.3(KCNT1):c.2426_2427delinsGA (p.Thr809Arg)

Gene: KCNT1 (potassium sodium-activated channel subfamily T member 1; plus strand). Cytogenetic location: 9q34.3.
Variant type: Indel.
Coding change: c.2426_2427delinsGA on transcript NM_020822.3 (MANE Select); coding-DNA positions 2426 to 2427, CG replaced by GA.
Protein change: p.Thr809Arg; replaces threonine 809 with arginine.
Molecular consequence: missense variant.
Genome position (GRCh38, 1-based): chr9:135,777,414-135,777,415, CG replaced by GA. VCF-style: chr9-135777414-CG-GA. GRCh37 (hg19) VCF-style: chr9-138669260-CG-GA.
Other names: c.2291_2292delinsGA, p.Thr764Arg (NM_001272003.2); short protein forms T764R, T809R.
Identifiers: ClinVar variation 3759986 (VCV003759986.2).

ClinVar aggregate classification (germline): Uncertain significance (1 of 4 stars; one submission).

Conditions:
Autosomal dominant nocturnal frontal lobe epilepsy 5. Also called: KCNT1-Related Epilepsy; CILIARY DYSKINESIA, PRIMARY, 28, WITHOUT SITUS INVERSUS; CILIARY DYSKINESIA, PRIMARY, 28, WITH SITUS INVERSUS; Epilepsy, nocturnal frontal lobe, 5. Identifiers: Orphanet 98784, MedGen C3554306, MONDO:0014002, OMIM 615005.
Developmental and epileptic encephalopathy, 14 (DEE14). Also called: Early infantile epileptic encephalopathy 14. Identifiers: Orphanet 293181, MedGen C3554195, MONDO:0013989, OMIM 614959.

Submission:

Labcorp Genetics (formerly Invitae), Labcorp
Classification: Uncertain significance for Autosomal dominant nocturnal frontal lobe epilepsy 5; Developmental and epileptic encephalopathy, 14. Last evaluated: 2024-12-07. Review status: criteria provided, single submitter. Criteria: Invitae Variant Classification Sherloc (09022015). Collection method: clinical testing. Allele origin: germline.
Comment: This sequence change replaces threonine, which is neutral and polar, with arginine, which is basic and polar, at codon 809 of the KCNT1 protein (p.Thr809Arg). Information on the frequency of this variant in the gnomAD database is not available, as this variant may be reported differently in the database. This variant has not been reported in the literature in individuals affected with KCNT1-related conditions. An algorithm developed to predict the effect of missense changes on protein structure and function (PolyPhen-2) suggests that this variant is likely to be tolerated. In summary, the available evidence is currently insufficient to determine the role of this variant in disease. Therefore, it has been classified as a Variant of Uncertain Significance.